The following is an entry in ClinVar:

NM_001370658.1(BTD):c.188T>C (p.Leu63Ser)

Gene: BTD (biotinidase; plus strand). Cytogenetic location: 3p25.1.
Variant type: single nucleotide variant.
Coding change: c.188T>C on transcript NM_001370658.1 (MANE Select); coding-DNA position 188, T replaced by C.
Protein change: p.Leu63Ser; replaces leucine 63 with serine.
Molecular consequence: missense variant.
Genome position (GRCh38, 1-based): chr3:15,635,627, T>C. VCF-style: chr3-15635627-T-C. GRCh37 (hg19) VCF-style: chr3-15677134-T-C.
Other names: c.248T>C, p.Leu83Ser (NM_000060.4); c.188T>C, p.Leu63Ser (NM_001281723.4, NM_001281724.3, NM_001281725.3 and 37 more transcripts); short protein forms L63S.
Identifiers: ClinVar variation 24991 (VCV000024991.7), dbSNP rs397514347, ClinGen allele CA278175.

ClinVar aggregate classification (germline): Pathogenic. Review status: criteria provided, single submitter (1 of 4 stars). 2 submissions from 2 submitters: Pathogenic (1). 1 of the submissions does not count toward it. Last evaluated 2025-05-09.

Conditions:
Biotinidase deficiency. Also called: BTD deficiency; Late-onset biotin-responsive multiple carboxylase deficiency; Biotin deficiency. Identifiers: Orphanet 79241, MedGen C0220754, MONDO:0009665, OMIM 253260.

Submissions (2):

Labcorp Genetics (formerly Invitae), Labcorp
Classification: Pathogenic for Biotinidase deficiency. Last evaluated: 2025-05-09. Review status: criteria provided, single submitter. Criteria: Invitae Variant Classification Sherloc (09022015). Collection method: clinical testing. Allele origin: germline.
Comment: This sequence change replaces leucine, which is neutral and non-polar, with serine, which is neutral and polar, at codon 83 of the BTD protein (p.Leu83Ser). This variant is not present in population databases (gnomAD no frequency). This missense change has been observed in individual(s) with profound biotinidase deficiency (PMID: 20224900). In at least one individual the data is consistent with being in trans (on the opposite chromosome) from a pathogenic variant. ClinVar contains an entry for this variant (Variation ID: 24991). Invitae Evidence Modeling of protein sequence and biophysical properties (such as structural, functional, and spatial information, amino acid conservation, physicochemical variation, residue mobility, and thermodynamic stability) indicates that this missense variant is expected to disrupt BTD protein function with a positive predictive value of 95%. For these reasons, this variant has been classified as Pathogenic.

Counsyl
Classification: Uncertain significance for Biotinidase deficiency. Last evaluated: 2017-09-18. Review status: no assertion criteria provided. Collection method: clinical testing. Allele origin: unknown. Not counted in ClinVar's aggregate classification.

Literature cited by the submitters: PubMed 20224900 (cited by Labcorp Genetics (formerly Invitae), Labcorp and Counsyl).